The following is an entry in ClinVar:

ClinVar aggregate classification (germline): Likely benign (1 of 4 stars; one submission).

Submission:

CeGaT Center for Human Genetics Tuebingen
Classification: Likely benign. Last evaluated: 2024-11-01. Review status: criteria provided, single submitter. Criteria: CeGaT Center For Human Genetics Tuebingen Variant Classification Criteria Version 2. Collection method: clinical testing. Allele origin: germline. Affected: yes. Observed: 1 variant allele.
Comment: TPRX1: BP4, BP7

NM_001397346.1(TPRX1):c.903G>A (p.Pro301=)

Gene: TPRX1 (tetrapeptide repeat homeobox 1; minus strand). Cytogenetic location: 19q13.33.
Variant type: single nucleotide variant.
Coding change: c.903G>A on transcript NM_001397346.1 (MANE Select); coding-DNA position 903, G replaced by A.
Protein change: p.Pro301=; no amino-acid change (proline 301 retained).
Molecular consequence: synonymous variant.
Genome position (GRCh38, 1-based): chr19:47,802,273, C>T on the plus strand (G>A on the coding strand, the complement: TPRX1 is on the minus strand). VCF-style: chr19-47802273-C-T. GRCh37 (hg19) VCF-style: chr19-48305530-C-T.
Other names: c.1029G>A, p.Pro343= (NM_198479.3).
Identifiers: ClinVar variation 3388550 (VCV003388550.14).